The following is an entry in ClinVar:

ClinVar aggregate classification (germline): Conflicting classifications of pathogenicity. Review status: criteria provided, conflicting classifications (1 of 4 stars). 5 submissions from 5 submitters: Pathogenic (1); Uncertain significance (2). 2 of the submissions do not count toward it. Last evaluated 2024-11-06.

Conditions:
Maturity-onset diabetes of the young (MODY). Also called: Maturity onset diabetes mellitus in young. Identifiers: Orphanet 552, MedGen C0342276, MONDO:0018911, HP:0004904.
Permanent neonatal diabetes mellitus (PNDM). Identifiers: Orphanet 99885, MedGen C1833104, MONDO:0100164, MONDO:0011643. Disease mechanism: gain of function.
Hyperinsulinemic hypoglycemia, familial, 2. Also called: HYPERINSULINEMIC HYPOGLYCEMIA, PERSISTENT; HYPERINSULINISM, NEONATAL. Identifiers: Orphanet 276580, Orphanet 276603, MedGen C2931833, MONDO:0011153, OMIM 601820. Disease mechanism: loss of function.

Allele frequency attached by ClinVar (database versions not stated): gnomAD exomes below 0.00001; ExAC 0.00001.
gnomAD v4.1: 4 of 1,614,074 alleles (0.00025%); highest among the groups gnomAD compares: Non-Finnish European, 0.00034%; no homozygotes.

Submissions (5):

Labcorp Genetics (formerly Invitae), Labcorp
Classification: Uncertain significance. Last evaluated: 2024-11-06. Review status: criteria provided, single submitter. Criteria: Invitae Variant Classification Sherloc (09022015). Collection method: clinical testing. Allele origin: germline.
Comment: This sequence change replaces leucine, which is neutral and non-polar, with proline, which is neutral and non-polar, at codon 147 of the KCNJ11 protein (p.Leu147Pro). This variant is present in population databases (rs28936678, gnomAD 0.0009%). This missense change has been observed in individual(s) with hyperinsulinism (PMID: 8923010). This variant is also known as 649T>C. ClinVar contains an entry for this variant (Variation ID: 8665). Invitae Evidence Modeling of protein sequence and biophysical properties (such as structural, functional, and spatial information, amino acid conservation, physicochemical variation, residue mobility, and thermodynamic stability) has been performed for this missense variant. However, the output from this modeling did not meet the statistical confidence thresholds required to predict the impact of this variant on KCNJ11 protein function. In summary, the available evidence is currently insufficient to determine the role of this variant in disease. Therefore, it has been classified as a Variant of Uncertain Significance.

Center of Genomic medicine, Geneva, University Hospital of Geneva
Classification: Pathogenic for Hyperinsulinemic hypoglycemia, familial, 2. Last evaluated: 2015-03-16. Review status: criteria provided, single submitter. Criteria: ACMG Guidelines, 2015. Collection method: clinical testing. Allele origin: paternal. Affected: yes. Observed: 2 variant alleles. Study: Final Reports_Cases2015_1.

Clinical Genomics, Uppaluri K&H Personalized Medicine Clinic
Classification: Uncertain significance for Maturity-onset diabetes of the young. Review status: criteria provided, single submitter. Criteria: K & H Uppaluri Personalized Medicine Clinic Variant Classification & Assertion Criteria_Updated V.1. Collection method: research. Allele origin: somatic. Inheritance: Autosomal dominant inheritance.
Comment: Mutations in KCNJ11 gene can cause decreased production and secretion of insulin. This can lead to MODY which may be responsive to oral sulfonylureas. However, no sufficient evidence is found to ascertain the role of this particular variant (rs28936678 ) in MODY yet.

Natera, Inc.
Classification: Uncertain significance for Permanent neonatal diabetes mellitus. Last evaluated: 2025-03-27. Review status: no assertion criteria provided. Collection method: clinical testing. Allele origin: germline. Not counted in ClinVar's aggregate classification.

OMIM
Classification: Pathogenic for HYPERINSULINEMIC HYPOGLYCEMIA, FAMILIAL, 2. Last evaluated: 1995-02-01. Review status: no assertion criteria provided. Collection method: literature only. Allele origin: germline. Not counted in ClinVar's aggregate classification.

Literature cited by the submitters: PubMed 8923010 (cited by Labcorp Genetics (formerly Invitae), Labcorp and Center of Genomic medicine, Geneva, University Hospital of Geneva); PubMed 23226049 (cited by Clinical Genomics, Uppaluri K&H Personalized Medicine Clinic); PubMed 7847376 (cited by OMIM).

NM_000525.4(KCNJ11):c.440T>C (p.Leu147Pro)

Gene: KCNJ11 (potassium inwardly rectifying channel subfamily J member 11; minus strand). Cytogenetic location: 11p15.1.
Variant type: single nucleotide variant.
Coding change: c.440T>C on transcript NM_000525.4 (MANE Select); coding-DNA position 440, T replaced by C.
Protein change: p.Leu147Pro; replaces leucine 147 with proline.
Molecular consequence: missense variant.
Genome position (GRCh38, 1-based): chr11:17,387,652, A>G on the plus strand (T>C on the coding strand, the complement: KCNJ11 is on the minus strand). VCF-style: chr11-17387652-A-G. GRCh37 (hg19) VCF-style: chr11-17409199-A-G.
Other names: c.179T>C, p.Leu60Pro (NM_001166290.2, NM_001377296.1, NM_001377297.1); short protein forms L147P, L60P.
Identifiers: ClinVar variation 8665 (VCV000008665.6), dbSNP rs28936678, ClinGen allele CA254515.